The following is an entry in ClinVar:

NM_005422.4(TECTA):c.45C>T (p.Phe15=)

Genes: TBCEL-TECTA (TBCEL-TECTA readthrough; plus strand), TECTA (tectorin alpha; plus strand). Cytogenetic location: 11q23.3.
Variant type: single nucleotide variant.
Coding change: c.45C>T on transcript NM_005422.4 (MANE Select); coding-DNA position 45, C replaced by T.
Protein change: p.Phe15=; no amino-acid change (phenylalanine 15 retained).
Molecular consequence: synonymous variant.
Genome position (GRCh38, 1-based): chr11:121,102,710, C>T. VCF-style: chr11-121102710-C-T. GRCh37 (hg19) VCF-style: chr11-120973419-C-T.
Other names: c.1002C>T, p.Phe334= (NM_001378761.1).
Identifiers: ClinVar variation 1189299 (VCV001189299.10), dbSNP rs756460108, ClinGen allele CA6326390.

ClinVar aggregate classification (germline): Conflicting classifications of pathogenicity. Review status: criteria provided, conflicting classifications (1 of 4 stars). 2 submissions from 2 submitters: Uncertain significance (1); Likely benign (1). Last evaluated 2021-11-05.

Allele frequency attached by ClinVar (database versions not stated): ExAC 0.00002; gnomAD exomes 0.00002 and 0.00003; gnomAD 0.00003 and 0.00004; TOPMed 0.00003.
gnomAD v4.1: 46 of 1,613,580 alleles (0.0029%); highest among the groups gnomAD compares: African/African-American, 0.0053%; no homozygotes.

Submissions (2):

Labcorp Genetics (formerly Invitae), Labcorp
Classification: Likely benign. Last evaluated: 2021-11-05. Review status: criteria provided, single submitter. Criteria: Invitae Variant Classification Sherloc (09022015). Collection method: clinical testing. Allele origin: germline.

GeneDx
Classification: Uncertain significance. Last evaluated: 2021-05-21. Review status: criteria provided, single submitter. Criteria: GeneDx Variant Classification Process June 2021. Collection method: clinical testing. Allele origin: germline. Affected: yes.
Comment: In silico analysis supports that this variant does not alter splicing; Has not been previously published as pathogenic or benign to our knowledge